The following is an entry in ClinVar:

NM_001382241.1(TNPO2):c.694A>C (p.Asn232His)

Gene: TNPO2 (transportin 2; minus strand). Cytogenetic location: 19p13.13.
Variant type: single nucleotide variant.
Coding change: c.694A>C on transcript NM_001382241.1 (MANE Select); coding-DNA position 694, A replaced by C.
Protein change: p.Asn232His; replaces asparagine 232 with histidine.
Molecular consequence: missense variant. On other transcripts: non-coding transcript variant (6).
Genome position (GRCh38, 1-based): chr19:12,715,124, T>G on the plus strand (A>C on the coding strand, the complement: TNPO2 is on the minus strand). VCF-style: chr19-12715124-T-G. GRCh37 (hg19) VCF-style: chr19-12825938-T-G.
Other names: c.694A>C, p.Asn232His (NM_001136195.2, NM_001136196.2, NM_001382236.1 and 7 more transcripts); short protein forms N232H.
Identifiers: ClinVar variation 3903265 (VCV003903265.2).

ClinVar aggregate classification (germline): Uncertain significance (1 of 4 stars; one submission).

Submission:

GeneDx
Classification: Uncertain significance. Last evaluated: 2026-09-10. Review status: criteria provided, single submitter. Criteria: GeneDx Variant Classification Process June 2021. Collection method: clinical testing. Allele origin: germline.
Comment: Not observed at significant frequency in large population cohorts (gnomAD); In silico analysis supports that this missense variant has a deleterious effect on protein structure/function; Has not been previously published as pathogenic or benign to our knowledge